The following continues an entry in ClinVar:

NM_000350.3(ABCA4):c.1622T>C (p.Leu541Pro)

Gene: ABCA4. ClinVar aggregate classification (germline): Conflicting classifications of pathogenicity. Pathogenic (25); Likely pathogenic (1); Uncertain significance (1).

Submissions 30 to 37 of 37:

Sharon lab, Hadassah-Hebrew University Medical Center
Classification: Pathogenic for Stargardt disease. Last evaluated: 2019-06-23. Review status: no assertion criteria provided. Collection method: research. Allele origin: inherited. Affected: yes. Not counted in ClinVar's aggregate classification.

Department of Clinical Genetics, Copenhagen University Hospital, Rigshospitalet
Classification: Likely pathogenic for Retinitis pigmentosa. Last evaluated: 2018-04-01. Review status: no assertion criteria provided. Collection method: research. Allele origin: unknown. Affected: yes. Study: VeluxRD. Not counted in ClinVar's aggregate classification.

Department of Clinical Genetics, Copenhagen University Hospital, Rigshospitalet
Classification: Likely pathogenic for Stargardt disease. Last evaluated: 2018-04-01. Review status: no assertion criteria provided. Collection method: research. Allele origin: unknown. Affected: yes. Study: VeluxRD. Not counted in ClinVar's aggregate classification.

Department of Clinical Genetics, Copenhagen University Hospital, Rigshospitalet
Classification: Likely pathogenic for Macular dystrophy. Last evaluated: 2018-04-01. Review status: no assertion criteria provided. Collection method: research. Allele origin: unknown. Affected: yes. Study: VeluxRD. Not counted in ClinVar's aggregate classification.

NIHR Bioresource Rare Diseases, University of Cambridge
Classification: Likely pathogenic for Retinitis pigmentosa. Last evaluated: 2015-01-01. Review status: no assertion criteria provided. Collection method: research. Allele origin: unknown. Affected: yes. Observed: 1 variant allele. Not counted in ClinVar's aggregate classification.

NIHR Bioresource Rare Diseases, University of Cambridge
Classification: Likely pathogenic. Last evaluated: 2015-01-01. Review status: no assertion criteria provided. Collection method: research. Allele origin: unknown. Affected: yes. Observed: 1 variant allele. Not counted in ClinVar's aggregate classification.

NIHR Bioresource Rare Diseases, University of Cambridge
Classification: Likely pathogenic for Retinal dystrophy. Last evaluated: 2015-01-01. Review status: no assertion criteria provided. Collection method: research. Allele origin: unknown. Affected: yes. Observed: 1 variant allele. Not counted in ClinVar's aggregate classification.

Retina International
No classification provided. Review status: no classification provided. Collection method: not provided. Allele origin: unknown. Not counted in ClinVar's aggregate classification.

Literature cited by the submitters: PubMed 10206579 (cited by Labcorp Genetics (formerly Invitae), Labcorp); PubMed 11527935 (cited by 4 submitters); PubMed 16103129 (cited by 6 submitters); PubMed 19217903 (cited by Labcorp Genetics (formerly Invitae), Labcorp and Institute of Human Genetics, Univ. Regensburg, Univ. Regensburg); PubMed 23755871 (cited by Labcorp Genetics (formerly Invitae), Labcorp); PubMed 24509150 (cited by Labcorp Genetics (formerly Invitae), Labcorp and Institute of Human Genetics, Univ. Regensburg, Univ. Regensburg); PubMed 26593885 (cited by Labcorp Genetics (formerly Invitae), Labcorp and Institute of Human Genetics, Univ. Regensburg, Univ. Regensburg); PubMed 28041643 (cited by 5 submitters); PubMed 11017087 (cited by 6 submitters); PubMed 25712131 (cited by 7 submitters); PubMed 29847635 (cited by 3 submitters); PubMed 29854428 (cited by Women's Health and Genetics/Laboratory Corporation of America, LabCorp); PubMed 26551331 (cited by Women's Health and Genetics/Laboratory Corporation of America, LabCorp); PubMed 9781034 (cited by 5 submitters); PubMed 27666373 (cited by North West Genomic Laboratory Hub, Manchester University NHS Foundation Trust); PubMed 32619608 (cited by North West Genomic Laboratory Hub, Manchester University NHS Foundation Trust and Institute of Human Genetics, Univ. Regensburg, Univ. Regensburg); PubMed 29186038 (cited by 3 submitters); PubMed 32531858 (cited by North West Genomic Laboratory Hub, Manchester University NHS Foundation Trust and Institute of Human Genetics, Univ. Regensburg, Univ. Regensburg); PubMed 19074458 (cited by Institute of Human Genetics, Univ. Regensburg, Univ. Regensburg and Laboratory for Molecular Medicine, Mass General Brigham Personalized Medicine); PubMed 24713488 (cited by Institute of Human Genetics, Univ. Regensburg, Univ. Regensburg and Laboratory for Molecular Medicine, Mass General Brigham Personalized Medicine); PubMed 29114839 (cited by Institute of Human Genetics, Univ. Regensburg, Univ. Regensburg and Laboratory for Molecular Medicine, Mass General Brigham Personalized Medicine); PubMed 28559085 (cited by Institute of Human Genetics, Univ. Regensburg, Univ. Regensburg); PubMed 29068140 (cited by Institute of Human Genetics, Univ. Regensburg, Univ. Regensburg); PubMed 29555955 (cited by Institute of Human Genetics, Univ. Regensburg, Univ. Regensburg); PubMed 30204727 (cited by Institute of Human Genetics, Univ. Regensburg, Univ. Regensburg); PubMed 29925512 (cited by Institute of Human Genetics, Univ. Regensburg, Univ. Regensburg); PubMed 30718709 (cited by Institute of Human Genetics, Univ. Regensburg, Univ. Regensburg and Department of Clinical Genetics, Copenhagen University Hospital, Rigshospitalet); PubMed 30653986 (cited by Institute of Human Genetics, Univ. Regensburg, Univ. Regensburg); PubMed 30643219 (cited by Institute of Human Genetics, Univ. Regensburg, Univ. Regensburg); PubMed 31573552 (cited by Institute of Human Genetics, Univ. Regensburg, Univ. Regensburg); PubMed 31964843 (cited by Institute of Human Genetics, Univ. Regensburg, Univ. Regensburg); PubMed 31429209 (cited by Institute of Human Genetics, Univ. Regensburg, Univ. Regensburg); PubMed 32307445 (cited by Institute of Human Genetics, Univ. Regensburg, Univ. Regensburg); PubMed 32783370 (cited by Institute of Human Genetics, Univ. Regensburg, Univ. Regensburg); PubMed 31456290 (cited by Institute of Human Genetics, Univ. Regensburg, Univ. Regensburg); PubMed 32581362 (cited by Institute of Human Genetics, Univ. Regensburg, Univ. Regensburg); PubMed 32037395 (cited by Institute of Human Genetics, Univ. Regensburg, Univ. Regensburg); PubMed 32141364 (cited by Institute of Human Genetics, Univ. Regensburg, Univ. Regensburg); PubMed 34315337 (cited by Institute of Human Genetics, Univ. Regensburg, Univ. Regensburg); PubMed 33369172 (cited by Institute of Human Genetics, Univ. Regensburg, Univ. Regensburg); PubMed 33749171 (cited by Institute of Human Genetics, Univ. Regensburg, Univ. Regensburg); PubMed 33851411 (cited by Institute of Human Genetics, Univ. Regensburg, Univ. Regensburg); PubMed 35119454 (cited by Institute of Human Genetics, Univ. Regensburg, Univ. Regensburg); PubMed 35260635 (cited by Institute of Human Genetics, Univ. Regensburg, Univ. Regensburg); PubMed 36460718 (cited by Institute of Human Genetics, Univ. Regensburg, Univ. Regensburg); PubMed 35836572 (cited by Institute of Human Genetics, Univ. Regensburg, Univ. Regensburg); PubMed 36672815 (cited by Institute of Human Genetics, Univ. Regensburg, Univ. Regensburg); PubMed 26229699 (cited by Laboratory for Molecular Medicine, Mass General Brigham Personalized Medicine); PubMed 27820952 (cited by Laboratory for Molecular Medicine, Mass General Brigham Personalized Medicine); PubMed 27367509 (cited by Laboratory for Molecular Medicine, Mass General Brigham Personalized Medicine); PubMed 16303926 (cited by Laboratory for Molecular Medicine, Mass General Brigham Personalized Medicine); PubMed 11328725 (cited by Laboratory for Molecular Medicine, Mass General Brigham Personalized Medicine); PubMed 10958763 (cited by Laboratory for Molecular Medicine, Mass General Brigham Personalized Medicine and Eurofins Ntd Llc (ga)); PubMed 12192456 (cited by Laboratory for Molecular Medicine, Mass General Brigham Personalized Medicine); PubMed 23918662 (cited by Laboratory for Molecular Medicine, Mass General Brigham Personalized Medicine); PubMed 23769331 (cited by Laboratory for Molecular Medicine, Mass General Brigham Personalized Medicine).